The following is an entry in ClinVar:

ClinVar aggregate classification (germline): Uncertain significance. Review status: criteria provided, multiple submitters, no conflicts (2 of 4 stars). 4 submissions from 4 submitters: Uncertain significance (4). Last evaluated 2025-03-04.

Conditions:
Hereditary spastic paraplegia 77. Also called: Spastic paraplegia 77, autosomal recessive. Identifiers: Orphanet 466722, MedGen C5569007, MONDO:0014882, OMIM 617046.
Combined oxidative phosphorylation defect type 14. Also called: Combined oxidative phosphorylation deficiency 14. Identifiers: Orphanet 319519, MedGen C4755312, MONDO:0013986, OMIM 614946.

Allele frequency attached by ClinVar (database versions not stated): gnomAD 0.00001; ExAC 0.00002; gnomAD exomes 0.00002; TOPMed 0.00003.
gnomAD v4.1: 18 of 1,613,900 alleles (0.0011%); highest among the groups gnomAD compares: Admixed American, 0.0067%; no homozygotes.

Submissions (4):

Institute of Human Genetics, University of Leipzig Medical Center
Classification: Uncertain significance for Combined oxidative phosphorylation defect type 14. Last evaluated: 2025-03-04. Review status: criteria provided, single submitter. Criteria: ACMG Guidelines, 2015. Collection method: clinical testing. Allele origin: unknown. Inheritance: Autosomal recessive inheritance. Affected: yes.
Comment: Criteria applied: PM2,PP3,PM5

Labcorp Genetics (formerly Invitae), Labcorp
Classification: Uncertain significance for Combined oxidative phosphorylation defect type 14. Last evaluated: 2025-02-26. Review status: criteria provided, single submitter. Criteria: Invitae Variant Classification Sherloc (09022015). Collection method: clinical testing. Allele origin: germline.
Comment: This sequence change replaces arginine, which is basic and polar, with cysteine, which is neutral and slightly polar, at codon 330 of the FARS2 protein (p.Arg330Cys). This variant is present in population databases (rs757442324, gnomAD 0.01%). This missense change has been observed in individual(s) with combined oxidative phosphorylation deficiency (PMID: 31665838). ClinVar contains an entry for this variant (Variation ID: 944163). Invitae Evidence Modeling of protein sequence and biophysical properties (such as structural, functional, and spatial information, amino acid conservation, physicochemical variation, residue mobility, and thermodynamic stability) indicates that this missense variant is expected to disrupt FARS2 protein function with a positive predictive value of 95%. In summary, the available evidence is currently insufficient to determine the role of this variant in disease. Therefore, it has been classified as a Variant of Uncertain Significance.

GeneDx
Classification: Uncertain significance. Last evaluated: 2022-09-15. Review status: criteria provided, single submitter. Criteria: GeneDx Variant Classification Process June 2021. Collection method: clinical testing. Allele origin: germline. Affected: yes.
Comment: Identified with a pathogenic variant in an individual with combined oxidative phosphorylation deficiency, however it is unknown whether the variants occurred on the same (in cis) or opposite (in trans) alleles (Han et al., 2019); Not observed at significant frequency in large population cohorts (gnomAD); In silico analysis supports that this missense variant has a deleterious effect on protein structure/function; This variant is associated with the following publications: (PMID: 31665838)

3billion
Classification: Uncertain significance for Hereditary spastic paraplegia 77. Last evaluated: 2022-09-01. Review status: criteria provided, single submitter. Criteria: ACMG Guidelines, 2015. Collection method: clinical testing. Allele origin: germline. Affected: yes. Observed: 1 heterozygote.
Comment: The variant is observed at an extremely low frequency in the gnomAD v2.1.1 dataset (total allele frequency: 0.002%). Missense changes are a common disease-causing mechanism. In silico tool predictions suggest damaging effect of the variant on gene or gene product (REVEL: 0.92; 3Cnet: 1.00). Same nucleotide change resulting in same amino acid change has been previously reported to be associated with FARS2-related disorder (PMID: 31665838). However, the evidence of pathogenicity is insufficient at this time. Therefore, this variant is classified as uncertain significance according to the recommendation of ACMG/AMP guideline.

Literature cited by the submitters: PubMed 31665838 (cited by Labcorp Genetics (formerly Invitae), Labcorp and 3billion).

NM_006567.5(FARS2):c.988C>T (p.Arg330Cys)

Gene: FARS2 (phenylalanyl-tRNA synthetase 2, mitochondrial; plus strand). Cytogenetic location: 6p25.1.
Variant type: single nucleotide variant.
Coding change: c.988C>T on transcript NM_006567.5 (MANE Select); coding-DNA position 988, C replaced by T.
Protein change: p.Arg330Cys; replaces arginine 330 with cysteine.
Molecular consequence: missense variant.
Genome position (GRCh38, 1-based): chr6:5,545,263, C>T. VCF-style: chr6-5545263-C-T. GRCh37 (hg19) VCF-style: chr6-5545496-C-T.
Other names: c.988C>T, p.Arg330Cys (NM_001318872.2, NM_001374875.1, NM_001374876.1 and 4 more transcripts); c.856C>T, p.Arg286Cys (NM_001375258.1); c.292C>T, p.Arg98Cys (NM_001375259.1, NM_001375260.1); short protein forms R98C, R330C, R286C.
Identifiers: ClinVar variation 944163 (VCV000944163.10), dbSNP rs757442324, ClinGen allele CA3623848.